The following is an entry in ClinVar:

ClinVar aggregate classification (germline): Pathogenic (1 of 4 stars; one submission).

Allele frequency attached by ClinVar (database versions not stated): gnomAD 0.00001; TOPMed below 0.00001.
gnomAD v4.1: 1 of 1,614,102 alleles (0.000062%); highest among the groups gnomAD compares: African/African-American, 0.0013%; no homozygotes.

Submission:

GeneDx
Classification: Pathogenic. Last evaluated: 2015-10-16. Review status: criteria provided, single submitter. Criteria: GeneDx Variant Classification (06012015). Collection method: clinical testing. Allele origin: germline. Affected: yes.
Comment: To our knowledge, the c.1007-2 A>G variant in the CYP4F22 gene has not been reported previously as a pathogenic variant nor as a benign variant. This variant destroys the canonical splice acceptor site in intron 9. It is predicted to cause abnormal gene splicing, either leading to an abnormal message that is subject to nonsense-mediated mRNA decay, or to an abnormal protein product if the message is used for protein translation. In addition, the c.1007-2 A>G variant was not observed in approximately 6,500 individuals of European and African American ancestry in the NHLBI Exome Sequencing Project, indicating it is not a common benign variant in these populations. No other pathogenic splice site changes have been reported for this gene; however, the vast majority of pathogenic variants result in loss of function (null alleles) (Stenson et al., 2014). We interpret c.1007-2A>G as a pathogenic variant.

NM_173483.4(CYP4F22):c.1007-2A>G

Gene: CYP4F22 (cytochrome P450 family 4 subfamily F member 22; plus strand). Cytogenetic location: 19p13.12.
Variant type: single nucleotide variant.
Coding change: c.1007-2A>G on transcript NM_173483.4 (MANE Select); the canonical splice acceptor site of the intron before coding-DNA position 1007, A replaced by G.
Molecular consequence: splice acceptor variant.
Genome position (GRCh38, 1-based): chr19:15,544,148, A>G. VCF-style: chr19-15544148-A-G. GRCh37 (hg19) VCF-style: chr19-15654959-A-G.
Identifiers: ClinVar variation 430019 (VCV000430019.2), dbSNP rs1045109000, ClinGen allele CA305829673.
Genomic context (GRCh38, chr19:15,544,148, plus strand): 5'-TGTAGACAGCATCTCTGCTTTCTTCAGGCAGCCTCCATTCAGATACCCTCATCTCCCTGC[A>G]GGTCACGACACAACATCCAGTGGGATCTCTTGGATGCTGTTCAATTTGGCAAAGTATCCG-3'